The following is an entry in ClinVar:

ClinVar aggregate classification (germline): Likely benign. Review status: reviewed by expert panel (3 of 4 stars). 3 submissions from 3 submitters: Likely benign (1). 2 of the submissions do not count toward it. Last evaluated 2022-04-25.

Conditions:
Hereditary thrombocytopenia and hematological cancer predisposition syndrome associated with RUNX1. Also called: Familial Platelet Disorder with Propensity to Acute Myelogenous Leukemia; Familial thrombocytopenia with propensity to acute myelogenous leukemia; PLATELET DISORDER, ASPIRIN-LIKE; RUNX1 Familial Platelet Disorder with Associated Myeloid Malignancies. Identifiers: Orphanet 71290, MedGen C1832388, MeSH C563324, MONDO:0100083, OMIM 601399.
Hereditary thrombocytopenia and hematologic cancer predisposition syndrome. Identifiers: Orphanet 71290, MedGen CN281654, MONDO:0011071.
Inborn genetic diseases. Identifiers: MedGen C0950123, MeSH D030342.

Submissions (3):

ClinGen Myeloid Malignancy Variant Curation Expert Panel
Classification: Likely benign for Hereditary thrombocytopenia and hematologic cancer predisposition syndrome. Last evaluated: 2022-04-25. Review status: reviewed by expert panel. Criteria: ClinGen MyeloMalig ACMG Specifications v2. Collection method: curation. Allele origin: germline. Inheritance: Autosomal dominant inheritance.
Comment: NM_001754.5(RUNX1):c.249C>T (p.Ala83=) is a synonymous variant. REVEL score not calculable. SpliceAI predicts: Acceptor loss 0.00, Donor loss 0.00, Acceptor gain 0.00, Donor gain 0.00. (BP4) Evolutionary conservation prediction algorithms predict the site as not being conserved (PhyloP score 0.324528 < 2.0 or the variant is the reference nucleotide in one primate and/or three mammal species) (BP7). PM2_supporting: This variant is completely absent from all population databases with at least 20x coverage for RUNX1 (PM2_supporting). In summary, this variant meets criteria to be classified as likely benign. ACMG/AMP criteria applied, as specified by the Myeloid Malignancy Variant Curation Expert Panel for RUNX1: BP4, BP7, PM2_supporting.

Ambry Genetics
Classification: Likely benign for Inborn genetic diseases. Last evaluated: 2025-06-14. Review status: criteria provided, single submitter. Criteria: Ambry Variant Classification Scheme 2023. Collection method: clinical testing. Allele origin: germline. Not counted in ClinVar's aggregate classification.

Labcorp Genetics (formerly Invitae), Labcorp
Classification: Likely benign for Hereditary thrombocytopenia and hematological cancer predisposition syndrome associated with RUNX1. Last evaluated: 2023-02-20. Review status: criteria provided, single submitter. Criteria: Invitae Variant Classification Sherloc (09022015). Collection method: clinical testing. Allele origin: germline. Not counted in ClinVar's aggregate classification.

NM_001754.5(RUNX1):c.249C>T (p.Ala83=)

Gene: RUNX1 (RUNX family transcription factor 1; minus strand). Cytogenetic location: 21q22.12.
Variant type: single nucleotide variant.
Coding change: c.249C>T on transcript NM_001754.5 (MANE Select); coding-DNA position 249, C replaced by T.
Protein change: p.Ala83=; no amino-acid change (alanine 83 retained).
Molecular consequence: synonymous variant.
Genome position (GRCh38, 1-based): chr21:34,886,945, G>A on the plus strand (C>T on the coding strand, the complement: RUNX1 is on the minus strand). VCF-style: chr21-34886945-G-A. GRCh37 (hg19) VCF-style: chr21-36259242-G-A.
Other names: NM_001754.5(RUNX1):c.249C>T; p.Ala83=; c.249C>T (NM_001754.4); c.168C>T, p.Ala56= (NM_001001890.3, NM_001122607.2).
Identifiers: ClinVar variation 1153047 (VCV001153047.11), dbSNP rs751280667, ClinGen allele CA512318889.